The following is an entry in ClinVar:

NM_004260.4(RECQL4):c.1621-5T>A

Gene: RECQL4 (RecQ like helicase 4; minus strand). Cytogenetic location: 8q24.3.
Variant type: single nucleotide variant.
Coding change: c.1621-5T>A on transcript NM_004260.4 (MANE Select); 5 bases into the intron before coding-DNA position 1621, T replaced by A.
Molecular consequence: intron variant.
Genome position (GRCh38, 1-based): chr8:144,514,530, A>T on the plus strand (T>A on the coding strand, the complement: RECQL4 is on the minus strand). VCF-style: chr8-144514530-A-T. GRCh37 (hg19) VCF-style: chr8-145739914-A-T.
Identifiers: ClinVar variation 1370073 (VCV001370073.8), dbSNP rs2130699130, ClinGen allele CA2573142912.

ClinVar aggregate classification (germline): Uncertain significance (1 of 4 stars; one submission).

Conditions:
Baller-Gerold syndrome (BGS). Also called: CRANIOSYNOSTOSIS WITH RADIAL DEFECTS. Identifiers: Orphanet 1225, MedGen C0265308, MONDO:0009039, OMIM 218600.

Submission:

Labcorp Genetics (formerly Invitae), Labcorp
Classification: Uncertain significance for Baller-Gerold syndrome. Last evaluated: 2021-02-05. Review status: criteria provided, single submitter. Criteria: Invitae Variant Classification Sherloc (09022015). Collection method: clinical testing. Allele origin: germline.
Comment: This sequence change falls in intron 9 of the RECQL4 gene. It does not directly change the encoded amino acid sequence of the RECQL4 protein. This variant is not present in population databases (ExAC no frequency). This variant has not been reported in the literature in individuals with RECQL4-related conditions. Algorithms developed to predict the effect of sequence changes on RNA splicing suggest that this variant may disrupt the consensus splice site, but this prediction has not been confirmed by published transcriptional studies. In summary, the available evidence is currently insufficient to determine the role of this variant in disease. Therefore, it has been classified as a Variant of Uncertain Significance.